The following is an entry in ClinVar:

NM_001370259.2(MEN1):c.655-6C>A

Gene: MEN1 (menin 1; minus strand). Cytogenetic location: 11q13.1.
Variant type: single nucleotide variant.
Coding change: c.655-6C>A on transcript NM_001370259.2 (MANE Select); 6 bases into the intron before coding-DNA position 655, C replaced by A.
Molecular consequence: intron variant.
Genome position (GRCh38, 1-based): chr11:64,807,686, G>T on the plus strand (C>A on the coding strand, the complement: MEN1 is on the minus strand). VCF-style: chr11-64807686-G-T. GRCh37 (hg19) VCF-style: chr11-64575158-G-T.
Other names: c.670-6C>A (NM_000244.3, NM_130804.3, NM_130803.3 and 4 more transcripts); c.655-6C>A (NM_130799.3, NM_001370260.2, NM_001370251.2 and 1 more transcripts); c.550-6C>A (NM_001370263.2, NM_001370262.2).
Identifiers: ClinVar variation 220116 (VCV000220116.56), dbSNP rs77461664, ClinGen allele CA061426.

ClinVar aggregate classification (germline): Conflicting classifications of pathogenicity. Review status: criteria provided, conflicting classifications (1 of 4 stars). 11 submissions from 11 submitters: Uncertain significance (5); Benign (3); Likely benign (3). Last evaluated 2026-07-01.

Conditions:
MEN1-related disorder. Also called: MEN1-related condition.
Multiple endocrine neoplasia, type 1 (MEN1). Also called: MEN I; WERMER SYNDROME; Endocrine adenomatosis multiple; MEN 1; MEA I. Identifiers: Orphanet 652, MedGen C0025267, MeSH D018761, MONDO:0007540, OMIM 131100.
Hereditary cancer-predisposing syndrome. Also called: Neoplastic Syndromes, Hereditary; Tumor predisposition; Hereditary Cancer Syndrome; Hereditary neoplastic syndrome. Identifiers: Orphanet 140162, MedGen C0027672, MeSH D009386, MONDO:0015356.

Allele frequency attached by ClinVar (database versions not stated): TOPMed 0.00014; 1000 Genomes Project 30x 0.00031.
gnomAD v4.1: 322 of 1,614,102 alleles (0.02%); highest among the groups gnomAD compares: Admixed American, 0.025%; no homozygotes.

Submissions (11):

CeGaT Center for Human Genetics Tuebingen
Classification: Uncertain significance. Last evaluated: 2026-07-01. Review status: criteria provided, single submitter. Criteria: CeGaT Center For Human Genetics Tuebingen Variant Classification Criteria Version 2. Collection method: clinical testing. Allele origin: germline. Affected: yes. Observed: 2 variant alleles.

PreventionGenetics, part of Exact Sciences
Classification: Likely benign for MEN1-related condition. Last evaluated: 2026-04-21. Review status: criteria provided, single submitter. Criteria: ACMG Guidelines, 2015. Collection method: clinical testing. Allele origin: germline.
Comment: This variant is classified as likely benign based on ACMG/AMP sequence variant interpretation guidelines (Richards et al. 2015 PMID: 25741868, with internal and published modifications).

Labcorp Genetics (formerly Invitae), Labcorp
Classification: Benign for Multiple endocrine neoplasia, type 1. Last evaluated: 2026-01-25. Review status: criteria provided, single submitter. Criteria: Invitae Variant Classification Sherloc (09022015). Collection method: clinical testing. Allele origin: germline.

Women's Health and Genetics/Laboratory Corporation of America, LabCorp
Classification: Benign. Last evaluated: 2025-04-25. Review status: criteria provided, single submitter. Criteria: LabCorp Variant Classification Summary - May 2015. Collection method: clinical testing. Allele origin: germline.
Comment: Variant summary: MEN1 c.655-6C>A alters a non-conserved nucleotide located at a position not widely known to affect splicing. Several computational tools predict a significant impact on normal splicing: Two predict the variant weakens a 3' acceptor site. However, these predictions have yet to be confirmed by functional studies. The variant allele was found at a frequency of 0.00014 in 250756 control chromosomes, predominantly at a frequency of 0.00024 within the Non-Finnish European subpopulation in the gnomAD database. The observed variant frequency within Non-Finnish European control individuals in the gnomAD database is approximately 11.5 fold of the estimated maximal expected allele frequency for a pathogenic variant in MEN1 causing Multiple Endocrine Neoplasia Type 1 phenotype (2.1e-05). c.655-6C>A has been observed in two relatives suspected of Multiple Endocrine Neoplasia Type 1 from a Dutch kindred, a individual with recurrent parathyromatosis who also harbored a variant in the CASR gene, and at least one French individual with Multiple Endocrine Neoplasia Type 1 with a co-occurring missense MEN1 variant of uncertain significance (e.g. Jager_2006, Romanet_2019, Sapuppo_2023). These reports do not provide unequivocal conclusions about association of the variant with Multiple Endocrine Neoplasia Type 1. To our knowledge, no experimental evidence demonstrating an impact on protein function has been reported. The following publications have been ascertained in the context of this evaluation (PMID: 16595707, 16563611, 30339208, 36998475). ClinVar contains an entry for this variant (Variation ID: 220116). Based on the evidence outlined above, the variant was classified as benign.

Myriad Genetics, Inc.
Classification: Likely benign for Multiple endocrine neoplasia, type 1. Last evaluated: 2024-11-01. Review status: criteria provided, single submitter. Criteria: Myriad Autosomal Dominant, Autosomal Recessive and X-Linked Classification Criteria (2023). Collection method: clinical testing. Allele origin: unknown.
Comment: This variant is considered likely benign. This variant is intronic and is not expected to impact mRNA splicing. This variant has been observed at a population frequency that is significantly greater than expected given the associated disease prevalence and penetrance.

Blueprint Genetics
Classification: Uncertain significance. Last evaluated: 2024-06-10. Review status: criteria provided, single submitter. Criteria: ACMG Guidelines, 2015. Collection method: clinical testing. Allele origin: germline.

Color Diagnostics, LLC DBA Color Health
Classification: Uncertain significance for Multiple endocrine neoplasia, type 1. Last evaluated: 2024-03-13. Review status: criteria provided, single submitter. Criteria: ACMG Guidelines, 2015. Collection method: clinical testing. Allele origin: germline.
Comment: This variant causes a C to A nucleotide substitution at the -6 position of intron 3 of the MEN1 gene. Splice site prediction tools are inconclusive regarding the impact of this variant on RNA splicing. To our knowledge, functional studies have not been reported for this variant. This variant has not been reported in individuals affected with hereditary cancer in the literature. This variant has been identified in 38/282140 chromosomes in the general population by the Genome Aggregation Database (gnomAD). The available evidence is insufficient to determine the role of this variant in disease conclusively. Therefore, this variant is classified as a Variant of Uncertain Significance.

Sema4
Classification: Likely benign for Hereditary cancer-predisposing syndrome. Last evaluated: 2021-03-09. Review status: criteria provided, single submitter. Criteria: Sema4 Curation Guidelines. Collection method: curation. Allele origin: germline.

Mendelics
Classification: Benign for Multiple endocrine neoplasia, type 1. Last evaluated: 2019-05-28. Review status: criteria provided, single submitter. Criteria: Mendelics Assertion Criteria 2017. Collection method: clinical testing. Allele origin: unknown.

GeneDx
Classification: Uncertain significance. Last evaluated: 2017-09-21. Review status: criteria provided, single submitter. Criteria: GeneDx Variant Classification (06012015). Collection method: clinical testing. Allele origin: germline. Affected: yes.
Comment: This variant is denoted MEN1 c.655-6C>A or IVS3-6C>A and consists of a C>A nucleotide substitution at the -6 position of intron 3 of the MEN1 gene. Multiple in silico models predict this variant to destroy the nearby natural splice acceptor site and to possibly cause abnormal gene splicing. However, in the absence of RNA or functional studies, the actual effect of this variant is unknown.? This variant has been observed in at least one kindred with a diagnosis or features of Multiple Endocrine Neoplasia type 1 (J?ger 2006). MEN1 c.655-6C>A was observed at an allele frequency of 0.02% (8/34,394) in individuals of Latino ancestry in large population cohorts (Lek 2016).The cytosine (C) nucleotide that is altered is not conserved. Based on currently available evidence, it is unclear whether MEN1 c.655-6C>A is a pathogenic or benign variant. We consider it to be a variant of uncertain significance.

Laboratory for Molecular Medicine, Mass General Brigham Personalized Medicine
Classification: Uncertain significance. Last evaluated: 2016-06-23. Review status: criteria provided, single submitter. Criteria: LMM Criteria. Collection method: clinical testing. Allele origin: germline.
Comment: Variant identified in a genome or exome case(s) and assessed due to predicted null impact of the variant or pathogenic assertions in the literature or databases. Disclaimer: This variant has not undergone full assessment.

Literature cited by the submitters: PubMed 16563611 (cited by Women's Health and Genetics/Laboratory Corporation of America, LabCorp); PubMed 16595707 (cited by Women's Health and Genetics/Laboratory Corporation of America, LabCorp); PubMed 30339208 (cited by Women's Health and Genetics/Laboratory Corporation of America, LabCorp); PubMed 36998475 (cited by Women's Health and Genetics/Laboratory Corporation of America, LabCorp).